The following is an entry in ClinVar:

NM_004722.4(AP4M1):c.64G>C (p.Gly22Arg)

Gene: AP4M1 (adaptor related protein complex 4 subunit mu 1; plus strand). Cytogenetic location: 7q22.1.
Variant type: single nucleotide variant.
Coding change: c.64G>C on transcript NM_004722.4 (MANE Select); coding-DNA position 64, G replaced by C.
Protein change: p.Gly22Arg; replaces glycine 22 with arginine.
Molecular consequence: missense variant.
Genome position (GRCh38, 1-based): chr7:100,101,885, G>C. VCF-style: chr7-100101885-G-C. GRCh37 (hg19) VCF-style: chr7-99699508-G-C.
Other names: c.64G>C, p.Gly22Arg (NM_001363671.2); short protein forms G22R.
Identifiers: ClinVar variation 1305351 (VCV001305351.2), dbSNP rs1041739986, ClinGen allele CA163212568.

ClinVar aggregate classification (germline): Uncertain significance (1 of 4 stars; one submission).

Allele frequency attached by ClinVar (database versions not stated): gnomAD 0.00001.
gnomAD v4.1: 2 of 1,613,284 alleles (0.00012%); highest among the groups gnomAD compares: Admixed American, 0.0017%; no homozygotes.

Submission:

GeneDx
Classification: Uncertain significance. Last evaluated: 2019-04-19. Review status: criteria provided, single submitter. Criteria: GeneDx Variant Classification Process June 2021. Collection method: clinical testing. Allele origin: germline. Affected: yes.
Comment: Not observed in large population cohorts (Lek et al., 2016); In silico analysis, which includes protein predictors and evolutionary conservation, supports a deleterious effect; Has not been previously published as pathogenic or benign to our knowledge